The following is an entry in ClinVar:

NM_005732.4(RAD50):c.3111A>C (p.Glu1037Asp)

Gene: RAD50 (RAD50 double strand break repair protein; plus strand). Cytogenetic location: 5q31.1.
Variant type: single nucleotide variant.
Coding change: c.3111A>C on transcript NM_005732.4 (MANE Select); coding-DNA position 3111, A replaced by C.
Protein change: p.Glu1037Asp; replaces glutamic acid 1037 with aspartic acid.
Molecular consequence: missense variant.
Genome position (GRCh38, 1-based): chr5:132,616,077, A>C. VCF-style: chr5-132616077-A-C. GRCh37 (hg19) VCF-style: chr5-131951769-A-C.
Other names: short protein forms E1037D.
Identifiers: ClinVar variation 1503502 (VCV001503502.8), dbSNP rs2149852967, ClinGen allele CA360963678.

ClinVar aggregate classification (germline): Uncertain significance (1 of 4 stars; one submission).

Conditions:
Hereditary cancer-predisposing syndrome. Also called: Hereditary neoplastic syndrome; Tumor predisposition; Neoplastic Syndromes, Hereditary; Hereditary Cancer Syndrome. Identifiers: Orphanet 140162, MedGen C0027672, MeSH D009386, MONDO:0015356.

Submission:

Labcorp Genetics (formerly Invitae), Labcorp
Classification: Uncertain significance for Hereditary cancer-predisposing syndrome. Last evaluated: 2021-07-07. Review status: criteria provided, single submitter. Criteria: Invitae Variant Classification Sherloc (09022015). Collection method: clinical testing. Allele origin: germline.
Comment: In summary, the available evidence is currently insufficient to determine the role of this variant in disease. Therefore, it has been classified as a Variant of Uncertain Significance. Algorithms developed to predict the effect of missense changes on protein structure and function (SIFT, PolyPhen-2, Align-GVGD) all suggest that this variant is likely to be tolerated. This variant has not been reported in the literature in individuals affected with RAD50-related conditions. This variant is not present in population databases (ExAC no frequency). This sequence change replaces glutamic acid with aspartic acid at codon 1037 of the RAD50 protein (p.Glu1037Asp). The glutamic acid residue is moderately conserved and there is a small physicochemical difference between glutamic acid and aspartic acid.